The following is an entry in ClinVar:

NM_005529.7(HSPG2):c.5810G>C (p.Ser1937Thr)

Gene: HSPG2 (heparan sulfate proteoglycan 2; minus strand). Cytogenetic location: 1p36.12.
Variant type: single nucleotide variant.
Coding change: c.5810G>C on transcript NM_005529.7 (MANE Select); coding-DNA position 5810, G replaced by C.
Protein change: p.Ser1937Thr; replaces serine 1937 with threonine.
Molecular consequence: missense variant.
Genome position (GRCh38, 1-based): chr1:21,855,567, C>G on the plus strand (G>C on the coding strand, the complement: HSPG2 is on the minus strand). VCF-style: chr1-21855567-C-G. GRCh37 (hg19) VCF-style: chr1-22182060-C-G.
Other names: c.5813G>C, p.Ser1938Thr (NM_001291860.2); short protein forms S1938T, S1937T.
Identifiers: ClinVar variation 2967079 (VCV002967079.3), dbSNP rs568223257, ClinGen allele CA671783.

ClinVar aggregate classification (germline): Uncertain significance (1 of 4 stars; one submission).

Allele frequency attached by ClinVar (database versions not stated): gnomAD 0.00005; 1000 Genomes Project 30x 0.00078; 1000 Genomes Project 0.00080; ExAC 0.00025; TOPMed 0.00002.
gnomAD v4.1: 65 of 1,600,116 alleles (0.0041%); highest among the groups gnomAD compares: South Asian, 0.068%; 2 homozygotes.

Submission:

Labcorp Genetics (formerly Invitae), Labcorp
Classification: Uncertain significance. Last evaluated: 2025-02-06. Review status: criteria provided, single submitter. Criteria: Invitae Variant Classification Sherloc (09022015). Collection method: clinical testing. Allele origin: germline.
Comment: This sequence change replaces serine, which is neutral and polar, with threonine, which is neutral and polar, at codon 1937 of the HSPG2 protein (p.Ser1937Thr). This variant is present in population databases (rs568223257, gnomAD 0.08%). This variant has not been reported in the literature in individuals affected with HSPG2-related conditions. ClinVar contains an entry for this variant (Variation ID: 2967079). An algorithm developed to predict the effect of missense changes on protein structure and function (PolyPhen-2) suggests that this variant is likely to be tolerated. In summary, the available evidence is currently insufficient to determine the role of this variant in disease. Therefore, it has been classified as a Variant of Uncertain Significance.